The following is an entry in ClinVar:

NM_007194.4(CHEK2):c.388C>T (p.Leu130=)

Gene: CHEK2 (checkpoint kinase 2; minus strand). Cytogenetic location: 22q12.1.
Variant type: single nucleotide variant.
Coding change: c.388C>T on transcript NM_007194.4 (MANE Select); coding-DNA position 388, C replaced by T.
Protein change: p.Leu130=; no amino-acid change (leucine 130 retained).
Molecular consequence: synonymous variant.
Genome position (GRCh38, 1-based): chr22:28,725,299, G>A on the plus strand (C>T on the coding strand, the complement: CHEK2 is on the minus strand). VCF-style: chr22-28725299-G-A. GRCh37 (hg19) VCF-style: chr22-29121287-G-A.
Other names: c.517C>T, p.Leu173= (NM_001005735.3); c.-390C>T (NM_001257387.3); c.388C>T, p.Leu130= (NM_001349956.3, NM_145862.3).
Identifiers: ClinVar variation 385612 (VCV000385612.19), dbSNP rs1057522274, ClinGen allele CA16609089.

ClinVar aggregate classification (germline): Benign/Likely benign. Review status: criteria provided, multiple submitters, no conflicts (2 of 4 stars). 5 submissions from 5 submitters: Benign (1); Likely benign (4). Last evaluated 2025-04-17.

Conditions:
Hereditary cancer-predisposing syndrome. Also called: Hereditary Cancer Syndrome; Hereditary neoplastic syndrome; Neoplastic Syndromes, Hereditary; Tumor predisposition. Identifiers: Orphanet 140162, MedGen C0027672, MeSH D009386, MONDO:0015356.
Familial cancer of breast. Also called: hereditary breast carcinoma; Hereditary breast cancer; BREAST CANCER, FAMILIAL. Identifiers: Orphanet 227535, MedGen C0346153, MONDO:0016419, OMIM 114480. Disease mechanism: loss of function.

Allele frequency attached by ClinVar (database versions not stated): gnomAD exomes below 0.00001; TOPMed 0.00003.

Submissions (5):

Labcorp Genetics (formerly Invitae), Labcorp
Classification: Likely benign for Familial cancer of breast. Last evaluated: 2025-04-17. Review status: criteria provided, single submitter. Criteria: Invitae Variant Classification Sherloc (09022015). Collection method: clinical testing. Allele origin: germline.

Myriad Genetics, Inc.
Classification: Benign for Familial cancer of breast. Last evaluated: 2024-10-02. Review status: criteria provided, single submitter. Criteria: Myriad Autosomal Dominant, Autosomal Recessive and X-Linked Classification Criteria (2023). Collection method: clinical testing. Allele origin: unknown.
Comment: This variant is considered benign. This variant is a silent/synonymous amino acid change and it is not expected to impact splicing.

Color Diagnostics, LLC DBA Color Health
Classification: Likely benign for Hereditary cancer-predisposing syndrome. Last evaluated: 2021-04-13. Review status: criteria provided, single submitter. Criteria: ACMG Guidelines, 2015. Collection method: clinical testing. Allele origin: germline.

GeneDx
Classification: Likely benign. Last evaluated: 2017-08-02. Review status: criteria provided, single submitter. Criteria: GeneDx Variant Classification (06012015). Collection method: clinical testing. Allele origin: germline. Affected: yes.
Comment: This variant is considered likely benign or benign based on one or more of the following criteria: it is a conservative change, it occurs at a poorly conserved position in the protein, it is predicted to be benign by multiple in silico algorithms, and/or has population frequency not consistent with disease.

Ambry Genetics
Classification: Likely benign for Hereditary cancer-predisposing syndrome. Last evaluated: 2016-09-07. Review status: criteria provided, single submitter. Criteria: Ambry Variant Classification Scheme 2023. Collection method: clinical testing. Allele origin: germline.